The following is an entry in ClinVar:

NM_001048174.2(MUTYH):c.619del (p.Val207fs)

Gene: MUTYH (mutY DNA glycosylase; minus strand). Cytogenetic location: 1p34.1.
Variant type: Deletion.
Coding change: c.619del on transcript NM_001048174.2 (MANE Select); coding-DNA position 619, one base deleted (G; older notation c.619delG).
Protein change: p.Val207fs; shifts the reading frame from valine 207.
Molecular consequence: frameshift variant. On other transcripts: non-coding transcript variant (7).
Genome position (GRCh38, 1-based): chr1:45,332,476, C deleted on the plus strand (G on the coding strand, the reverse complement: MUTYH is on the minus strand); the first of 2 consecutive C bases (chr1:45,332,476-45,332,477); deleting either gives the same sequence. VCF-style (leftmost placement, unchanged base first): chr1-45332475-AC-A. GRCh37 (hg19) VCF-style: chr1-45798147-AC-A.
Other names: c.703delG (NM_001128425.1); c.622del, p.Val208fs (NM_001407078.1, NM_001407086.1, NM_001048172.2 and 1 more transcripts); c.580del, p.Val194fs (NM_001407079.1); c.577del, p.Val193fs (NM_001407080.1); c.619del, p.Val207fs (NM_001407081.1, NM_001407088.1, NM_001407089.1 and 6 more transcripts); c.274del, p.Val92fs (NM_001407082.1, NM_001350651.2, NM_001350650.2); c.661del, p.Val221fs (NM_001407083.1, NM_001407085.1); c.640del, p.Val214fs (NM_001407087.1); and 6 more; short protein forms V115fs, V179fs, V193fs, V194fs, V207fs, V208fs, V214fs, V218fs.
Identifiers: ClinVar variation 2673802 (VCV002673802.2), dbSNP rs2524122940, ClinGen allele CA2695198027.

ClinVar aggregate classification (germline): Pathogenic. Review status: criteria provided, multiple submitters, no conflicts (2 of 4 stars). 2 submissions from 2 submitters: Pathogenic (2). Last evaluated 2023-11-16.

Conditions:
Hereditary cancer-predisposing syndrome. Also called: Neoplastic Syndromes, Hereditary; Tumor predisposition; Hereditary Cancer Syndrome; Hereditary neoplastic syndrome. Identifiers: Orphanet 140162, MedGen C0027672, MeSH D009386, MONDO:0015356.
Familial adenomatous polyposis 2. Also called: COLORECTAL ADENOMATOUS POLYPOSIS, AUTOSOMAL RECESSIVE; ADENOMAS, MULTIPLE COLORECTAL, AUTOSOMAL RECESSIVE; FAP type 2; MUTYH Polyposis; MYH-associated polyposis; Adenomas, multiple colorectal. Identifiers: Orphanet 220460, Orphanet 247798, MedGen C3272841, MONDO:0012041, OMIM 608456.

Submissions (2):

Ambry Genetics
Classification: Pathogenic for Hereditary cancer-predisposing syndrome. Last evaluated: 2023-11-16. Review status: criteria provided, single submitter. Criteria: Ambry Variant Classification Scheme 2023. Collection method: clinical testing. Allele origin: germline.
Comment: The c.703delG pathogenic mutation, located in coding exon 9 of the MUTYH gene, results from a deletion of one nucleotide at nucleotide position 703, causing a translational frameshift with a predicted alternate stop codon (p.V235Wfs*5). This variant is considered to be rare based on population cohorts in the Genome Aggregation Database (gnomAD). This alteration is expected to result in loss of function by premature protein truncation or nonsense-mediated mRNA decay. As such, this alteration is interpreted as a disease-causing mutation.

Myriad Genetics, Inc.
Classification: Pathogenic for Familial adenomatous polyposis 2. Last evaluated: 2023-07-26. Review status: criteria provided, single submitter. Criteria: Myriad Autosomal Dominant, Autosomal Recessive and X-Linked Classification Criteria (2023). Collection method: clinical testing. Allele origin: unknown.
Comment: This variant is considered pathogenic. This variant creates a frameshift predicted to result in premature protein truncation.